The following is an entry in ClinVar:

ClinVar aggregate classification (germline): Uncertain significance. Review status: criteria provided, multiple submitters, no conflicts (2 of 4 stars). 2 submissions from 2 submitters: Uncertain significance (2). Last evaluated 2023-12-12.

Conditions:
Inborn genetic diseases. Identifiers: MedGen C0950123, MeSH D030342.
RFT1-congenital disorder of glycosylation (CDG1N). Also called: CDG In; Congenital disorder of glycosylation type In; RFT1-CDG. Identifiers: Orphanet 244310, MedGen C2677590, MONDO:0012783, OMIM 612015.

Allele frequency attached by ClinVar (database versions not stated): gnomAD exomes 0.00004; ExAC 0.00005; gnomAD 0.00014; ESP Exome Variant Server 0.00031.
gnomAD v4.1: 48 of 1,614,070 alleles (0.003%); highest among the groups gnomAD compares: African/African-American, 0.036%; no homozygotes.

Submissions (2):

Ambry Genetics
Classification: Uncertain significance for Inborn genetic diseases. Last evaluated: 2023-12-12. Review status: criteria provided, single submitter. Criteria: Ambry Variant Classification Scheme 2023. Collection method: clinical testing. Allele origin: germline.

Labcorp Genetics (formerly Invitae), Labcorp
Classification: Uncertain significance for RFT1-congenital disorder of glycosylation. Last evaluated: 2022-11-01. Review status: criteria provided, single submitter. Criteria: Invitae Variant Classification Sherloc (09022015). Collection method: clinical testing. Allele origin: germline.
Comment: This sequence change replaces tyrosine, which is neutral and polar, with cysteine, which is neutral and slightly polar, at codon 350 of the RFT1 protein (p.Tyr350Cys). This variant is present in population databases (rs148627975, gnomAD 0.03%). This variant has not been reported in the literature in individuals affected with RFT1-related conditions. ClinVar contains an entry for this variant (Variation ID: 1447607). Advanced modeling of protein sequence and biophysical properties (such as structural, functional, and spatial information, amino acid conservation, physicochemical variation, residue mobility, and thermodynamic stability) performed at Invitae indicates that this missense variant is expected to disrupt RFT1 protein function. In summary, the available evidence is currently insufficient to determine the role of this variant in disease. Therefore, it has been classified as a Variant of Uncertain Significance.

NM_052859.4(RFT1):c.1049A>G (p.Tyr350Cys)

Gene: RFT1 (RFT1 glycolipid translocator homolog; minus strand). Cytogenetic location: 3p21.1.
Variant type: single nucleotide variant.
Coding change: c.1049A>G on transcript NM_052859.4 (MANE Select); coding-DNA position 1049, A replaced by G.
Protein change: p.Tyr350Cys; replaces tyrosine 350 with cysteine.
Molecular consequence: missense variant.
Genome position (GRCh38, 1-based): chr3:53,104,006, T>C on the plus strand (A>G on the coding strand, the complement: RFT1 is on the minus strand). VCF-style: chr3-53104006-T-C. GRCh37 (hg19) VCF-style: chr3-53138022-T-C.
Other names: c.1049A>G (NM_052859.3); short protein forms Y350C.
Identifiers: ClinVar variation 1447607 (VCV001447607.4), dbSNP rs148627975, ClinGen allele CA2451259.